The following is an entry in ClinVar:

NM_001184.4(ATR):c.3724A>G (p.Arg1242Gly)

Gene: ATR (ATR checkpoint kinase; minus strand). Cytogenetic location: 3q23.
Variant type: single nucleotide variant.
Coding change: c.3724A>G on transcript NM_001184.4 (MANE Select); coding-DNA position 3724, A replaced by G.
Protein change: p.Arg1242Gly; replaces arginine 1242 with glycine.
Molecular consequence: missense variant.
Genome position (GRCh38, 1-based): chr3:142,538,483, T>C on the plus strand (A>G on the coding strand, the complement: ATR is on the minus strand). VCF-style: chr3-142538483-T-C. GRCh37 (hg19) VCF-style: chr3-142257325-T-C.
Other names: c.3532A>G, p.Arg1178Gly (NM_001354579.2); c.3724A>G (NM_001184.3); short protein forms R1178G, R1242G.
Identifiers: ClinVar variation 1022341 (VCV001022341.10), dbSNP rs2033933689, ClinGen allele CA354807365.

ClinVar aggregate classification (germline): Uncertain significance. Review status: criteria provided, multiple submitters, no conflicts (2 of 4 stars). 2 submissions from 2 submitters: Uncertain significance (2). Last evaluated 2023-07-05.

Conditions:
Inborn genetic diseases. Identifiers: MedGen C0950123, MeSH D030342.

Allele frequency attached by ClinVar (database versions not stated): gnomAD exomes below 0.00001.
gnomAD v4.1: 8 of 1,611,702 alleles (0.0005%); highest among the groups gnomAD compares: South Asian, 0.0022%; no homozygotes.

Submissions (2):

Ambry Genetics
Classification: Uncertain significance for Inborn genetic diseases. Last evaluated: 2023-07-05. Review status: criteria provided, single submitter. Criteria: Ambry Variant Classification Scheme 2023. Collection method: clinical testing. Allele origin: germline.
Comment: The p.R1242G variant (also known as c.3724A>G), located in coding exon 19 of the ATR gene, results from an A to G substitution at nucleotide position 3724. The arginine at codon 1242 is replaced by glycine, an amino acid with dissimilar properties. This amino acid position is conserved. In addition, this alteration is predicted to be deleterious by in silico analysis. Since supporting evidence is limited at this time, the clinical significance of this alteration remains unclear.

Labcorp Genetics (formerly Invitae), Labcorp
Classification: Uncertain significance. Last evaluated: 2022-08-16. Review status: criteria provided, single submitter. Criteria: Invitae Variant Classification Sherloc (09022015). Collection method: clinical testing. Allele origin: germline.
Comment: Algorithms developed to predict the effect of sequence changes on RNA splicing suggest that this variant may disrupt the consensus splice site. Algorithms developed to predict the effect of missense changes on protein structure and function are either unavailable or do not agree on the potential impact of this missense change (SIFT: "Tolerated"; PolyPhen-2: "Probably Damaging"; Align-GVGD: "Class C0"). ClinVar contains an entry for this variant (Variation ID: 1022341). This variant has not been reported in the literature in individuals affected with ATR-related conditions. This variant is not present in population databases (gnomAD no frequency). This sequence change replaces arginine, which is basic and polar, with glycine, which is neutral and non-polar, at codon 1242 of the ATR protein (p.Arg1242Gly). In summary, the available evidence is currently insufficient to determine the role of this variant in disease. Therefore, it has been classified as a Variant of Uncertain Significance.